The following is an entry in ClinVar:

ClinVar aggregate classification (germline): Uncertain significance (1 of 4 stars; one submission).

Allele frequency attached by ClinVar (database versions not stated): gnomAD 0.00001; gnomAD exomes 0.00001; 1000 Genomes Project 30x 0.00016; 1000 Genomes Project 0.00020.
gnomAD v4.1: 5 of 1,614,102 alleles (0.00031%); highest among the groups gnomAD compares: Admixed American, 0.0033%; no homozygotes.

Submission:

Labcorp Genetics (formerly Invitae), Labcorp
Classification: Uncertain significance. Last evaluated: 2023-10-13. Review status: criteria provided, single submitter. Criteria: Invitae Variant Classification Sherloc (09022015). Collection method: clinical testing. Allele origin: germline.
Comment: This sequence change replaces histidine, which is basic and polar, with arginine, which is basic and polar, at codon 39 of the IFT57 protein (p.His39Arg). This variant is not present in population databases (gnomAD no frequency). This variant has not been reported in the literature in individuals affected with IFT57-related conditions. ClinVar contains an entry for this variant (Variation ID: 2119134). An algorithm developed to predict the effect of missense changes on protein structure and function (PolyPhen-2) suggests that this variant is likely to be tolerated. In summary, the available evidence is currently insufficient to determine the role of this variant in disease. Therefore, it has been classified as a Variant of Uncertain Significance.

NM_018010.4(IFT57):c.116A>G (p.His39Arg)

Gene: IFT57 (intraflagellar transport 57; minus strand). Cytogenetic location: 3q13.13.
Variant type: single nucleotide variant.
Coding change: c.116A>G on transcript NM_018010.4 (MANE Select); coding-DNA position 116, A replaced by G.
Protein change: p.His39Arg; replaces histidine 39 with arginine.
Molecular consequence: missense variant.
Genome position (GRCh38, 1-based): chr3:108,222,207, T>C on the plus strand (A>G on the coding strand, the complement: IFT57 is on the minus strand). VCF-style: chr3-108222207-T-C. GRCh37 (hg19) VCF-style: chr3-107941054-T-C.
Other names: short protein forms H39R.
Identifiers: ClinVar variation 2119134 (VCV002119134.4), dbSNP rs575514136, ClinGen allele CA80637595.